The following is an entry in ClinVar:

ClinVar aggregate classification (germline): Uncertain significance (1 of 4 stars; one submission).

Conditions:
Cystic fibrosis (CF). Also called: MUCOVISCIDOSIS. Identifiers: Orphanet 586, MedGen C0010674, MONDO:0009061, OMIM 219700. Disease mechanism: loss of function.

gnomAD v4.1: 2 of 1,610,252 alleles (0.00012%); no homozygotes.

Submission:

Ambry Genetics
Classification: Uncertain significance for Cystic fibrosis. Last evaluated: 2022-05-21. Review status: criteria provided, single submitter. Criteria: Ambry Variant Classification Scheme 2023. Collection method: clinical testing. Allele origin: germline.
Comment: The p.A457V variant (also known as c.1370C>T), located in coding exon 10 of the CFTR gene, results from a C to T substitution at nucleotide position 1370. The alanine at codon 457 is replaced by valine, an amino acid with similar properties. This amino acid position is conserved. In addition, the in silico prediction for this alteration is inconclusive. Since supporting evidence is limited at this time, the clinical significance of this alteration remains unclear.

NM_000492.4(CFTR):c.1370C>T (p.Ala457Val)

Genes: CFTR (CF transmembrane conductance regulator; plus strand), CFTR-AS1 (CFTR antisense RNA 1; minus strand). Cytogenetic location: 7q31.2.
Variant type: single nucleotide variant.
Coding change: c.1370C>T on transcript NM_000492.4 (MANE Select); coding-DNA position 1370, C replaced by T.
Protein change: p.Ala457Val; replaces alanine 457 with valine.
Molecular consequence: missense variant.
Genome position (GRCh38, 1-based): chr7:117,548,801, C>T. VCF-style: chr7-117548801-C-T. GRCh37 (hg19) VCF-style: chr7-117188855-C-T.
Other names: short protein forms A457V.
Identifiers: ClinVar variation 1771033 (VCV001771033.2), dbSNP rs1799215956, ClinGen allele CA368982488.